The following is an entry in ClinVar:

NC_000022.10:g.(?_24175753)_(24176372_?)dup

Gene: SMARCB1 (SWI/SNF related BAF chromatin remodeling complex subunit B1; plus strand). Cytogenetic location: 22q11.23.
Variant type: Duplication.
Identifiers: ClinVar variation 660145 (VCV000660145.1).

ClinVar aggregate classification (germline): Uncertain significance (1 of 4 stars; one submission).

Submission:

Labcorp Genetics (formerly Invitae), Labcorp
Classification: Uncertain significance. Last evaluated: 2018-09-03. Review status: criteria provided, single submitter. Criteria: Invitae Variant Classification Sherloc (09022015). Collection method: clinical testing. Allele origin: germline.
Comment: This variant is a gross duplication of the genomic region encompassing exons 8-9 of the SMARCB1 gene. The 5' boundary is likely confined to intron 7. The 3' end of this event is unknown as it extends beyond the assayed region for this gene and therefore may encompass additional genes. A duplication of exons 8-9 has not been reported in the literature in individuals with SMARCB1-related disease. Experimental studies and prediction algorithms are not available for this variant, and the functional significance of the duplicated exons is currently unknown. In summary, the exact genomic location of this variant is unknown and the impact of this duplication on SMARCB1 protein function has not been established. Therefore, it has been classified as a Variant of Uncertain Significance.